The following is an entry in ClinVar:

ClinVar aggregate classification (germline): Uncertain significance (1 of 4 stars; one submission).

Conditions:
Hereditary sensory and autonomic neuropathy with spastic paraplegia (HSNSP). Identifiers: Orphanet 139578, MedGen C1850395, MONDO:0009748, OMIM 256840.

Allele frequency attached by ClinVar (database versions not stated): gnomAD 0.00001; gnomAD exomes 0.00001; TOPMed 0.00001.
gnomAD v4.1: 13 of 1,614,086 alleles (0.00081%); highest among the groups gnomAD compares: Non-Finnish European, 0.001%; no homozygotes.

Submission:

Labcorp Genetics (formerly Invitae), Labcorp
Classification: Uncertain significance for Hereditary sensory and autonomic neuropathy with spastic paraplegia. Last evaluated: 2022-11-08. Review status: criteria provided, single submitter. Criteria: Invitae Variant Classification Sherloc (09022015). Collection method: clinical testing. Allele origin: germline.
Comment: In summary, the available evidence is currently insufficient to determine the role of this variant in disease. Therefore, it has been classified as a Variant of Uncertain Significance. Algorithms developed to predict the effect of missense changes on protein structure and function (SIFT, PolyPhen-2, Align-GVGD) all suggest that this variant is likely to be disruptive. ClinVar contains an entry for this variant (Variation ID: 1054922). This variant has not been reported in the literature in individuals affected with CCT5-related conditions. This variant is not present in population databases (gnomAD no frequency). This sequence change replaces valine, which is neutral and non-polar, with isoleucine, which is neutral and non-polar, at codon 204 of the CCT5 protein (p.Val204Ile).

NM_012073.5(CCT5):c.610G>A (p.Val204Ile)

Gene: CCT5 (chaperonin containing TCP1 subunit 5; plus strand). Cytogenetic location: 5p15.2.
Variant type: single nucleotide variant.
Coding change: c.610G>A on transcript NM_012073.5 (MANE Select); coding-DNA position 610, G replaced by A.
Protein change: p.Val204Ile; replaces valine 204 with isoleucine.
Molecular consequence: missense variant.
Genome position (GRCh38, 1-based): chr5:10,258,190, G>A. VCF-style: chr5-10258190-G-A. GRCh37 (hg19) VCF-style: chr5-10258302-G-A.
Other names: c.547G>A, p.Val183Ile (NM_001306153.1); c.445G>A, p.Val149Ile (NM_001306154.2); c.331G>A, p.Val111Ile (NM_001306155.2); c.496G>A, p.Val166Ile (NM_001306156.2); short protein forms V111I, V149I, V166I, V183I, V204I.
Identifiers: ClinVar variation 1054922 (VCV001054922.9), dbSNP rs1266138297, ClinGen allele CA359182398.
Genomic context (GRCh38, chr5:10,258,190, plus strand): 5'-CAGATGGCTGAGATTGCTGTGAATGCCGTCCTCACTGTAGCAGATATGGAGCGGAGAGAC[G>A]TTGACTTTGAGCTTATCAAAGTAGAAGGCAAAGTGGGCGGCAGGCTGGAGGACACTAAAC-3'
Protein context (NP_036205.1, residues 194-214): LTVADMERRD[Val204Ile]DFELIKVEGK